The following is an entry in ClinVar:

NM_006231.4(POLE):c.4636C>G (p.Leu1546Val)

Gene: POLE (DNA polymerase epsilon, catalytic subunit; minus strand). Cytogenetic location: 12q24.33.
Variant type: single nucleotide variant.
Coding change: c.4636C>G on transcript NM_006231.4 (MANE Select); coding-DNA position 4636, C replaced by G.
Protein change: p.Leu1546Val; replaces leucine 1546 with valine.
Molecular consequence: missense variant.
Genome position (GRCh38, 1-based): chr12:132,642,912, G>C on the plus strand (C>G on the coding strand, the complement: POLE is on the minus strand). VCF-style: chr12-132642912-G-C. GRCh37 (hg19) VCF-style: chr12-133219498-G-C.
Other names: c.4636C>G (NM_006231.2); short protein forms L1546V.
Identifiers: ClinVar variation 1498571 (VCV001498571.8), dbSNP rs1593732411, ClinGen allele CA387379069.

ClinVar aggregate classification (germline): Uncertain significance. Review status: criteria provided, multiple submitters, no conflicts (2 of 4 stars). 3 submissions from 3 submitters: Uncertain significance (3). Last evaluated 2024-01-11.

Conditions:
Hereditary cancer-predisposing syndrome. Also called: Tumor predisposition; Hereditary neoplastic syndrome; Neoplastic Syndromes, Hereditary; Hereditary Cancer Syndrome. Identifiers: Orphanet 140162, MedGen C0027672, MeSH D009386, MONDO:0015356.

Submissions (3):

Ambry Genetics
Classification: Uncertain significance for Hereditary cancer-predisposing syndrome. Last evaluated: 2024-01-11. Review status: criteria provided, single submitter. Criteria: Ambry Variant Classification Scheme 2023. Collection method: clinical testing. Allele origin: germline.
Comment: The p.L1546V variant (also known as c.4636C>G), located in coding exon 36 of the POLE gene, results from a C to G substitution at nucleotide position 4636. The leucine at codon 1546 is replaced by valine, an amino acid with highly similar properties. This amino acid position is conserved. In addition, this alteration is predicted to be tolerated by in silico analysis. Since supporting evidence is limited at this time, the clinical significance of this alteration remains unclear.

GeneDx
Classification: Uncertain significance. Last evaluated: 2023-12-28. Review status: criteria provided, single submitter. Criteria: GeneDx Variant Classification Process June 2021. Collection method: clinical testing. Allele origin: germline. Affected: yes.
Comment: Not observed at significant frequency in large population cohorts (gnomAD); In silico analysis supports that this missense variant does not alter protein structure/function; Has not been previously published as pathogenic or benign to our knowledge

Labcorp Genetics (formerly Invitae), Labcorp
Classification: Uncertain significance. Last evaluated: 2021-10-21. Review status: criteria provided, single submitter. Criteria: Invitae Variant Classification Sherloc (09022015). Collection method: clinical testing. Allele origin: germline.
Comment: This variant is not present in population databases (ExAC no frequency). This variant has not been reported in the literature in individuals affected with POLE-related conditions. Algorithms developed to predict the effect of missense changes on protein structure and function (SIFT, PolyPhen-2, Align-GVGD) all suggest that this variant is likely to be tolerated. In summary, the available evidence is currently insufficient to determine the role of this variant in disease. Therefore, it has been classified as a Variant of Uncertain Significance. This sequence change replaces leucine with valine at codon 1546 of the POLE protein (p.Leu1546Val). The leucine residue is moderately conserved and there is a small physicochemical difference between leucine and valine.